The following is an entry in ClinVar:

NM_000179.3(MSH6):c.4001+10_4002-54dup

Gene: MSH6 (mutS homolog 6; plus strand). Cytogenetic location: 2p16.3.
Variant type: Duplication.
Coding change: c.4001+10_4002-54dup on transcript NM_000179.3 (MANE Select); 10 bases into the intron after coding-DNA position 4001 through 54 bases into the intron before coding-DNA position 4002, 65 bases duplicated.
Molecular consequence: intron variant.
Genome position (GRCh38, 1-based): chr2:47,806,661-47,806,725, 65 bases duplicated. GRCh37 (hg19): chr2:48,033,800-48,033,864.
Other names: c.4001+10_4002-54dup (NM_001406809.1, NM_001406796.1); c.3095+10_3096-54dup (NM_001406811.1, NM_001406814.1, NM_001281493.2 and 6 more transcripts); c.3704+10_3705-54dup (NM_001406805.1, NM_001406797.1, NM_001406818.1 and 8 more transcripts); c.4097+10_4098-54dup (NM_001406795.1); c.3898-118_3898-54dup (NM_001406802.1); c.4007+10_4008-54dup (NM_001406813.1); c.3476+10_3477-54dup (NM_001406807.1, NM_001406799.1, NM_001406806.1); c.4001+10_4002-59dup (NM_001406808.1); and 11 more.
Identifiers: ClinVar variation 3904629 (VCV003904629.1).

ClinVar aggregate classification (germline): Benign (1 of 4 stars; one submission).

Conditions:
Lynch syndrome 5 (LYNCH5). Also called: Colorectal cancer, hereditary nonpolyposis, type 5; Hereditary non-polyposis colorectal cancer, type 5. Identifiers: Orphanet 144, MedGen C1833477, MONDO:0013710, OMIM 614350. Disease mechanism: loss of function.

Submission:

Myriad Genetics, Inc.
Classification: Benign for Lynch syndrome 5. Last evaluated: 2025-01-09. Review status: criteria provided, single submitter. Criteria: Myriad Autosomal Dominant, Autosomal Recessive and X-Linked Classification Criteria (2023). Collection method: clinical testing. Allele origin: unknown.
Comment: This variant is considered benign. This variant is intronic and is not expected to impact mRNA splicing.